The following is an entry in ClinVar:

ClinVar aggregate classification (germline): Likely pathogenic (0 of 4 stars; one submission).

Conditions:
Hereditary factor XI deficiency disease. Also called: Congenital factor XI deficiency; PLASMA THROMBOPLASTIN ANTECEDENT DEFICIENCY; PTA DEFICIENCY; ROSENTHAL SYNDROME. Identifiers: Orphanet 329, MedGen C0015523, MeSH D005173, MONDO:0012897, OMIM 612416.

gnomAD v4.1: 17 of 1,614,010 alleles (0.0011%); highest among the groups gnomAD compares: Non-Finnish European, 0.0014%; no homozygotes.

Submission:

ISTH-SSC Genomics in Thrombosis and Hemostasis, KU Leuven, Center for Molecular and Vascular Biology
Classification: Likely pathogenic for Hereditary factor XI deficiency disease. Review status: no assertion criteria provided. Collection method: research. Allele origin: unknown. Affected: yes.
Comment: Submitted to GoldVariant by Dr Karyn Mégy from NIHR Bioresource - Cambridge University, UK

NM_000128.4(F11):c.973G>T (p.Val325Phe)

Gene: F11 (coagulation factor XI; plus strand). Cytogenetic location: 4q35.2.
Variant type: single nucleotide variant.
Coding change: c.973G>T on transcript NM_000128.4 (MANE Select); coding-DNA position 973, G replaced by T.
Protein change: p.Val325Phe; replaces valine 325 with phenylalanine.
Molecular consequence: missense variant.
Genome position (GRCh38, 1-based): chr4:186,280,330, G>T. VCF-style: chr4-186280330-G-T. GRCh37 (hg19) VCF-style: chr4-187201484-G-T.
Other names: short protein forms V325F.
Identifiers: ClinVar variation 1684396 (VCV001684396.1), dbSNP rs764711007, ClinGen allele CA358938115.